The following is an entry in ClinVar:

ClinVar aggregate classification (germline): Likely benign. Review status: criteria provided, multiple submitters, no conflicts (2 of 4 stars). 3 submissions from 3 submitters: Likely benign (2). 1 of the submissions does not count toward it. Last evaluated 2025-05-03.

Conditions:
SEMA3A-related disorder. Also called: SEMA3A-related condition.

Allele frequency attached by ClinVar (database versions not stated): gnomAD exomes 0.00002 and 0.00008; TOPMed 0.00005; gnomAD 0.00006; ExAC 0.00007; 1000 Genomes Project 30x 0.00016; 1000 Genomes Project 0.00020.
gnomAD v4.1: 45 of 1,603,432 alleles (0.0028%); highest among the groups gnomAD compares: Admixed American, 0.019%; no homozygotes.

Submissions (3):

Labcorp Genetics (formerly Invitae), Labcorp
Classification: Likely benign. Last evaluated: 2025-05-03. Review status: criteria provided, single submitter. Criteria: Invitae Variant Classification Sherloc (09022015). Collection method: clinical testing. Allele origin: germline.

Breakthrough Genomics
Classification: Likely benign. Review status: criteria provided, single submitter. Criteria: ACMG Guidelines, 2015. Collection method: not provided. Allele origin: germline. Inheritance: Autosomal dominant inheritance. Affected: yes.

PreventionGenetics, part of Exact Sciences
Classification: Likely benign for SEMA3A-related condition. Last evaluated: 2022-04-01. Review status: no assertion criteria provided. Collection method: clinical testing. Allele origin: germline. Not counted in ClinVar's aggregate classification.
Comment: This variant is classified as likely benign based on ACMG/AMP sequence variant interpretation guidelines (Richards et al. 2015 PMID: 25741868, with internal and published modifications).

NM_006080.3(SEMA3A):c.1371C>T (p.Thr457=)

Gene: SEMA3A (semaphorin 3A; minus strand). Cytogenetic location: 7q21.11.
Variant type: single nucleotide variant.
Coding change: c.1371C>T on transcript NM_006080.3 (MANE Select); coding-DNA position 1371, C replaced by T.
Protein change: p.Thr457=; no amino-acid change (threonine 457 retained).
Molecular consequence: synonymous variant.
Genome position (GRCh38, 1-based): chr7:84,002,036, G>A on the plus strand (C>T on the coding strand, the complement: SEMA3A is on the minus strand). VCF-style: chr7-84002036-G-A. GRCh37 (hg19) VCF-style: chr7-83631352-G-A.
Identifiers: ClinVar variation 756094 (VCV000756094.11), dbSNP rs184604091, ClinGen allele CA4322755.